The following is an entry in ClinVar:

NM_002303.6(LEPR):c.2674-5849C>A

Gene: LEPR (leptin receptor; plus strand). Cytogenetic location: 1p31.3.
Variant type: single nucleotide variant.
Coding change: c.2674-5849C>A on transcript NM_002303.6 (MANE Select); 5849 bases into the intron before coding-DNA position 2674, C replaced by A.
Molecular consequence: intron variant. On other transcripts: synonymous variant (2).
Genome position (GRCh38, 1-based): chr1:65,630,342, C>A. VCF-style: chr1-65630342-C-A. GRCh37 (hg19) VCF-style: chr1-66096025-C-A.
Other names: c.2814C>A, p.Thr938= (NM_001003680.3, NM_001198687.2); c.2674-2810C>A (NM_001003679.3, NM_001198689.2).
Identifiers: ClinVar variation 3349558 (VCV003349558.1).
Genomic context (GRCh38, chr1:65,630,342, plus strand): 5'-GCCACAGGGTCCTCTGCATAGGAAAACCAGAGACCTTTGTTCACTTGTTTATCTGCTGAC[C>A]CTCCCTCCACTATTGTCCTATGACCCTGCCAAATCCCCCTCTGTGAGAAACACCCAAGAA-3'

ClinVar aggregate classification (germline): Likely benign (0 of 4 stars; one submission).

Conditions:
LEPR-related disorder. Also called: LEPR-related condition; LEPR-related disorders.

Submission:

PreventionGenetics, part of Exact Sciences
Classification: Likely benign for LEPR-related condition. Last evaluated: 2020-03-23. Review status: no assertion criteria provided. Collection method: clinical testing. Allele origin: germline.
Comment: This variant is classified as likely benign based on ACMG/AMP sequence variant interpretation guidelines (Richards et al. 2015 PMID: 25741868, with internal and published modifications).